The following is an entry in ClinVar:

ClinVar aggregate classification (germline): Benign/Likely benign. Review status: criteria provided, multiple submitters, no conflicts (2 of 4 stars). 3 submissions from 3 submitters: Benign (1); Likely benign (2). Last evaluated 2025-05-11.

Conditions:
Hereditary cancer-predisposing syndrome. Also called: Neoplastic Syndromes, Hereditary; Tumor predisposition; Hereditary Cancer Syndrome; Hereditary neoplastic syndrome. Identifiers: Orphanet 140162, MedGen C0027672, MeSH D009386, MONDO:0015356.
Lynch syndrome 5 (LYNCH5). Also called: Colorectal cancer, hereditary nonpolyposis, type 5; Hereditary non-polyposis colorectal cancer, type 5. Identifiers: Orphanet 144, MedGen C1833477, MONDO:0013710, OMIM 614350. Disease mechanism: loss of function.

Submissions (3):

Ambry Genetics
Classification: Likely benign for Hereditary cancer-predisposing syndrome. Last evaluated: 2025-05-11. Review status: criteria provided, single submitter. Criteria: Ambry Variant Classification Scheme 2023. Collection method: clinical testing. Allele origin: germline.

Myriad Genetics, Inc.
Classification: Benign for Lynch syndrome 5. Last evaluated: 2024-12-18. Review status: criteria provided, single submitter. Criteria: Myriad Autosomal Dominant, Autosomal Recessive and X-Linked Classification Criteria (2023). Collection method: clinical testing. Allele origin: unknown.
Comment: This variant is considered benign. This variant is a silent/synonymous amino acid change and it is not expected to impact splicing.

Color Diagnostics, LLC DBA Color Health
Classification: Likely benign for Hereditary cancer-predisposing syndrome. Last evaluated: 2020-02-19. Review status: criteria provided, single submitter. Criteria: ACMG Guidelines, 2015. Collection method: clinical testing. Allele origin: germline.

NM_000179.3(MSH6):c.354A>C (p.Thr118=)

Gene: MSH6 (mutS homolog 6; plus strand). Cytogenetic location: 2p16.3.
Variant type: single nucleotide variant.
Coding change: c.354A>C on transcript NM_000179.3 (MANE Select); coding-DNA position 354, A replaced by C.
Protein change: p.Thr118=; no amino-acid change (threonine 118 retained).
Molecular consequence: synonymous variant. On other transcripts: 5 prime UTR variant (2), intron variant (1).
Genome position (GRCh38, 1-based): chr2:47,791,020, A>C. VCF-style: chr2-47791020-A-C. GRCh37 (hg19) VCF-style: chr2-48018159-A-C.
Other names: c.-383A>C (NM_001281493.2); c.-549A>C (NM_001281494.2); c.237+7550A>C (NM_001281492.2).
Identifiers: ClinVar variation 922001 (VCV000922001.4), dbSNP rs558590898, ClinGen allele CA425989385.
Genomic context (GRCh38, chr2:47,791,020, plus strand): 5'-CAAGATGGAGGGTTACCCCTGGTGGCCTTGTCTGGTTTACAACCACCCCTTTGATGGAAC[A>C]TTCATCCGCGAGAAAGGGAAATCAGTCCGTGTTCATGTACAGTTTTTTGATGACAGCCCA-3'
Protein context (NP_000170.1, residues 108-128): CLVYNHPFDG[Thr118=]FIREKGKSVR